The following is an entry in ClinVar:

NM_024675.4(PALB2):c.3403G>T (p.Gly1135Ter)

Gene: PALB2 (partner and localizer of BRCA2; minus strand). Cytogenetic location: 16p12.2.
Variant type: single nucleotide variant.
Coding change: c.3403G>T on transcript NM_024675.4 (MANE Select); coding-DNA position 3403, G replaced by T.
Protein change: p.Gly1135Ter; replaces glycine 1135 with a stop codon.
Molecular consequence: nonsense. On other transcripts: 3 prime UTR variant (5).
Genome position (GRCh38, 1-based): chr16:23,603,617, C>A on the plus strand (G>T on the coding strand, the complement: PALB2 is on the minus strand). VCF-style: chr16-23603617-C-A. GRCh37 (hg19) VCF-style: chr16-23614938-C-A.
Other names: c.3343G>T, p.Gly1115Ter (NM_001407296.1); c.3331G>T, p.Gly1111Ter (NM_001407297.1); c.3241G>T, p.Gly1081Ter (NM_001407298.1); c.3166G>T, p.Gly1056Ter (NM_001407299.1); c.3124G>T, p.Gly1042Ter (NM_001407300.1); c.*38G>T (NM_001407301.1, NM_001407302.1, NM_001407310.1 and 2 more transcripts); c.2518G>T, p.Gly840Ter (NM_001407304.1, NM_001407305.1, NM_001407306.1); c.2356G>T, p.Gly786Ter (NM_001407307.1); and 3 more; short protein forms G1042*, G1056*, G1081*, G1111*, G1115*, G1135*, G313*, G539*.
Identifiers: ClinVar variation 2674130 (VCV002674130.1), dbSNP rs2142254584, ClinGen allele CA395138242.
Genomic context (GRCh38, chr16:23,603,617, plus strand): 5'-AGACAGGTGGGAGGAGGGCAGTACACTGACCGAGAAGTAAGTCCCAAATGGCAATTGTTC[C>A]AGAAGTCAAGATTGCTGCTGCACAGTGATCTTTCACGTCACCTTCCAGGAACCTGATAGC-3'

ClinVar aggregate classification (germline): Pathogenic (1 of 4 stars; one submission).

Conditions:
Familial cancer of breast. Also called: Hereditary breast cancer; BREAST CANCER, FAMILIAL; hereditary breast carcinoma. Identifiers: Orphanet 227535, MedGen C0346153, MONDO:0016419, OMIM 114480. Disease mechanism: loss of function.

Submission:

Myriad Genetics, Inc.
Classification: Pathogenic for Familial cancer of breast. Last evaluated: 2023-09-15. Review status: criteria provided, single submitter. Criteria: Myriad Autosomal Dominant, Autosomal Recessive and X-Linked Classification Criteria (2023). Collection method: clinical testing. Allele origin: unknown.
Comment: This variant is considered pathogenic. This variant creates a termination codon and is predicted to result in premature protein truncation.